The following is an entry in ClinVar:

NM_000812.4(GABRB1):c.1259G>A (p.Arg420Gln)

Gene: GABRB1 (gamma-aminobutyric acid type A receptor subunit beta1; plus strand). Cytogenetic location: 4p12.
Variant type: single nucleotide variant.
Coding change: c.1259G>A on transcript NM_000812.4 (MANE Select); coding-DNA position 1259, G replaced by A.
Protein change: p.Arg420Gln; replaces arginine 420 with glutamine.
Molecular consequence: missense variant.
Genome position (GRCh38, 1-based): chr4:47,425,852, G>A. VCF-style: chr4-47425852-G-A. GRCh37 (hg19) VCF-style: chr4-47427869-G-A.
Other names: short protein forms R420Q.
Identifiers: ClinVar variation 3678068 (VCV003678068.2).

ClinVar aggregate classification (germline): Uncertain significance (1 of 4 stars; one submission).

gnomAD v4.1: 40 of 1,613,956 alleles (0.0025%); highest among the groups gnomAD compares: Non-Finnish European, 0.0029%; no homozygotes.

Submission:

Labcorp Genetics (formerly Invitae), Labcorp
Classification: Uncertain significance. Last evaluated: 2024-07-04. Review status: criteria provided, single submitter. Criteria: Invitae Variant Classification Sherloc (09022015). Collection method: clinical testing. Allele origin: germline.
Comment: This sequence change replaces arginine, which is basic and polar, with glutamine, which is neutral and polar, at codon 420 of the GABRB1 protein (p.Arg420Gln). The frequency data for this variant in the population databases is considered unreliable, as metrics indicate poor data quality at this position in the gnomAD database. This variant has not been reported in the literature in individuals affected with GABRB1-related conditions. Advanced modeling of protein sequence and biophysical properties (such as structural, functional, and spatial information, amino acid conservation, physicochemical variation, residue mobility, and thermodynamic stability) performed at Invitae indicates that this missense variant is not expected to disrupt GABRB1 protein function with a negative predictive value of 80%. In summary, the available evidence is currently insufficient to determine the role of this variant in disease. Therefore, it has been classified as a Variant of Uncertain Significance.